The following is an entry in ClinVar:

NM_206933.4(USH2A):c.7788_7799delinsA (p.Tyr2596_Val2600delinsTer)

Gene: USH2A (usherin; minus strand). Cytogenetic location: 1q41.
Variant type: Indel.
Coding change: c.7788_7799delinsA on transcript NM_206933.4 (MANE Select); coding-DNA positions 7788 to 7799, TAAGTTTCAGGT replaced by A.
Protein change: p.Tyr2596_Val2600delinsTer.
Molecular consequence: nonsense.
Genome position (GRCh38, 1-based): chr1:215,888,850-215,888,861, ACCTGAAACTTA replaced by T on the plus strand (TAAGTTTCAGGT replaced by A on the coding strand, the reverse complement: USH2A is on the minus strand). VCF-style: chr1-215888850-ACCTGAAACTTA-T. GRCh37 (hg19) VCF-style: chr1-216062192-ACCTGAAACTTA-T.
Other names: c.7788_7799delinsA (NM_206933.2).
Identifiers: ClinVar variation 2679458 (VCV002679458.6), dbSNP rs2464750210, ClinGen allele CA2695199977.
Genomic context (GRCh38, chr1:215,888,850, plus strand): 5'-AGTGTCCATACAGTCTGGGACTCTGGTGAAAGGGAACATCCTTTTGAAGTGCAGGCTTCT[ACCTGAAACTTA>T]TAGGCAGTGTATGGGTGTAAATGCATCACTGTGCAATTAGTGACATTTCCAGGAGTTCTC-3'

ClinVar aggregate classification (germline): Pathogenic/Likely pathogenic. Review status: criteria provided, multiple submitters, no conflicts (2 of 4 stars). 4 submissions from 4 submitters: Pathogenic (2); Likely pathogenic (2). Last evaluated 2025-09-15.

Conditions:
Usher syndrome type 2A. Also called: USHER SYNDROME, TYPE IIA; RETINAL DISEASE IN USHER SYNDROME TYPE IIA, MODIFIER OF. Identifiers: Orphanet 231178, Orphanet 886, MedGen C1848634, MONDO:0010169, OMIM 276901.
Retinitis pigmentosa 39 (RP39). Identifiers: Orphanet 791, MedGen C3151138, MONDO:0013436, OMIM 613809.
USH2A-related disorder. Also called: USH2A-related disorders; USH2A-related condition. Identifiers: MedGen CN239332.

Submissions (4):

PreventionGenetics, part of Exact Sciences
Classification: Pathogenic for USH2A-related condition. Last evaluated: 2025-09-15. Review status: criteria provided, single submitter. Criteria: ACMG Guidelines, 2015. Collection method: clinical testing. Allele origin: germline.
Comment: The USH2A c.7788_7799delinsA variant is predicted to result in premature protein termination (p.Tyr2596*). To our knowledge, this variant has not been reported in the literature or in a large population database (gnomAD), indicating this variant is rare. Nonsense variants in USH2A are expected to be pathogenic. This variant is interpreted as pathogenic.

Natera, Inc.
Classification: Likely pathogenic for Usher syndrome type 2A. Last evaluated: 2025-08-09. Review status: criteria provided, single submitter. Criteria: Natera Variant Classification Schema (03/2026). Collection method: clinical testing. Allele origin: germline.
Comment: The c.7788_7799delinsA variant in USH2A is a frameshift variant predicted to shift the reading frame and introduce a stop codon. This variant is expected to result in nonsense mediated decay, truncation, or a dysfunctional protein product. This variant is rare in the general population with a frequency below the threshold expected for the associated phenotype(s). Given the available evidence, this variant is classified as Likely Pathogenic.

Baylor Genetics
Classification: Likely pathogenic for Retinitis pigmentosa 39. Last evaluated: 2023-09-23. Review status: criteria provided, single submitter. Criteria: ACMG Guidelines, 2015. Collection method: clinical testing. Allele origin: unknown.

Labcorp Genetics (formerly Invitae), Labcorp
Classification: Pathogenic. Last evaluated: 2022-09-27. Review status: criteria provided, single submitter. Criteria: Invitae Variant Classification Sherloc (09022015). Collection method: clinical testing. Allele origin: germline.
Comment: For these reasons, this variant has been classified as Pathogenic. This variant has not been reported in the literature in individuals affected with USH2A-related conditions. This variant is not present in population databases (gnomAD no frequency). This sequence change creates a premature translational stop signal (p.Tyr2596*) in the USH2A gene. It is expected to result in an absent or disrupted protein product. Loss-of-function variants in USH2A are known to be pathogenic (PMID: 10729113, 10909849, 20507924, 25649381).

Literature cited by the submitters: PubMed 10729113 (cited by Labcorp Genetics (formerly Invitae), Labcorp); PubMed 10909849 (cited by Labcorp Genetics (formerly Invitae), Labcorp); PubMed 20507924 (cited by Labcorp Genetics (formerly Invitae), Labcorp); PubMed 25649381 (cited by Labcorp Genetics (formerly Invitae), Labcorp).